The following is an entry in ClinVar:

NM_000400.4(ERCC2):c.633C>G (p.Tyr211Ter)

Gene: ERCC2 (ERCC excision repair 2, TFIIH core complex helicase subunit; minus strand). Cytogenetic location: 19q13.32.
Variant type: single nucleotide variant.
Coding change: c.633C>G on transcript NM_000400.4 (MANE Select); coding-DNA position 633, C replaced by G.
Protein change: p.Tyr211Ter; replaces tyrosine 211 with a stop codon.
Molecular consequence: nonsense.
Genome position (GRCh38, 1-based): chr19:45,364,509, G>C on the plus strand (C>G on the coding strand, the complement: ERCC2 is on the minus strand). VCF-style: chr19-45364509-G-C. GRCh37 (hg19) VCF-style: chr19-45867767-G-C.
Other names: c.561C>G, p.Tyr187Ter (NM_001130867.2); short protein forms Y187*, Y211*.
Identifiers: ClinVar variation 2675059 (VCV002675059.2), dbSNP rs112910027, ClinGen allele CA406374441.

ClinVar aggregate classification (germline): Pathogenic/Likely pathogenic. Review status: criteria provided, multiple submitters, no conflicts (2 of 4 stars). 2 submissions from 2 submitters: Pathogenic (1); Likely pathogenic (1). Last evaluated 2025-03-27.

Conditions:
ERCC2-related disorder. Also called: ERCC2-related disorders; ERCC2-related conditions; ERCC2-related condition. Identifiers: MedGen CN239291.
Cerebrooculofacioskeletal syndrome 2 (COFS2). Identifiers: MedGen C1853102, MONDO:0012553, OMIM 610756.

gnomAD v4.1: 1 of 1,613,866 alleles (0.000062%); highest among the groups gnomAD compares: South Asian, 0.0011%; no homozygotes.

Submissions (2):

Myriad Genetics, Inc.
Classification: Pathogenic for ERCC2-related disorder. Last evaluated: 2025-03-27. Review status: criteria provided, single submitter. Criteria: Myriad Autosomal Dominant, Autosomal Recessive and X-Linked Classification Criteria (2023). Collection method: clinical testing. Allele origin: unknown.
Comment: NM_000400.3(ERCC2):c.633C>G(Y211*) is expected to be pathogenic in the context of ERCC2-related disorders. This variant is predicted to lead to an abnormal or absent protein product due to the creation of a premature termination codon in ERCC2, a gene where loss-of-function variants are known to be pathogenic. Please note: this variant was assessed in the context of healthy population screening.

Baylor Genetics
Classification: Likely pathogenic for Cerebrooculofacioskeletal syndrome 2. Last evaluated: 2023-03-22. Review status: criteria provided, single submitter. Criteria: ACMG Guidelines, 2015. Collection method: clinical testing. Allele origin: unknown.